The following is an entry in ClinVar:

NM_175914.5(HNF4A):c.*3086C>T

Gene: HNF4A (hepatocyte nuclear factor 4 alpha; plus strand). Cytogenetic location: 20q13.12.
Variant type: single nucleotide variant.
Coding change: c.*3086C>T on transcript NM_175914.5 (MANE Select); 3086 bases downstream of the stop codon, C replaced by T.
Molecular consequence: 3 prime UTR variant.
Genome position (GRCh38, 1-based): chr20:44,432,751, C>T. VCF-style: chr20-44432751-C-T. GRCh37 (hg19) VCF-style: chr20-43061391-C-T.
Other names: c.*3086C>T (NM_000457.6, NM_001030003.3, NM_001258355.2 and 3 more transcripts).
Identifiers: ClinVar variation 338494 (VCV000338494.37), dbSNP rs551080524, ClinGen allele CA10649756.

ClinVar aggregate classification (germline): Conflicting classifications of pathogenicity. Review status: criteria provided, conflicting classifications (1 of 4 stars). 4 submissions from 3 submitters: Uncertain significance (2); Benign (2). Last evaluated 2023-03-01.

Conditions:
Maturity-onset diabetes of the young (MODY). Also called: Maturity onset diabetes mellitus in young. Identifiers: Orphanet 552, MedGen C0342276, MONDO:0018911, HP:0004904.
Familial hyperinsulinism. Also called: Congenital hyperinsulinism. Identifiers: Orphanet 276525, MedGen C3888018, MONDO:0017182. Disease mechanism: loss of function.
Maturity-onset diabetes of the young type 1. Also called: MODY, type I; MILD JUVENILE DIABETES MELLITUS; MODY type 1; Diabetes mellitus MODY type 1; MODY HNF4A related; HNF4A-Related Maturity-Onset Diabetes of the Young Type 1. Identifiers: Orphanet 552, MedGen C1852093, MONDO:0007452, OMIM 125850. Disease mechanism: loss of function.

Allele frequency attached by ClinVar (database versions not stated): 1000 Genomes Project 0.00100; 1000 Genomes Project 30x 0.00156; TOPMed 0.00546; gnomAD 0.00684 and 0.00706.

Submissions (4):

CeGaT Center for Human Genetics Tuebingen
Classification: Benign. Last evaluated: 2023-03-01. Review status: criteria provided, single submitter. Criteria: CeGaT Center For Human Genetics Tuebingen Variant Classification Criteria Version 2. Collection method: clinical testing. Allele origin: germline. Affected: yes. Observed: 2 variant alleles.
Comment: HNF4A: BS1, BS2

Illumina Laboratory Services, Illumina
Classification: Uncertain significance for Maturity-onset diabetes of the young type 1. Last evaluated: 2018-01-12. Review status: criteria provided, single submitter. Criteria: ICSL Variant Classification Criteria 13 December 2019. Collection method: clinical testing. Allele origin: germline.

Illumina Laboratory Services, Illumina
Classification: Uncertain significance for Familial hyperinsulinism. Last evaluated: 2018-01-12. Review status: criteria provided, single submitter. Criteria: ICSL Variant Classification Criteria 13 December 2019. Collection method: clinical testing. Allele origin: germline.

Clinical Genomics, Uppaluri K&H Personalized Medicine Clinic
Classification: Benign for Maturity-onset diabetes of the young. Review status: criteria provided, single submitter. Criteria: K & H Uppaluri Personalized Medicine Clinic Variant Classification & Assertion Criteria_Updated V.1. Collection method: research. Allele origin: unknown. Inheritance: Autosomal dominant inheritance.
Comment: Potent mutations in HNF4A are associated with poor insulin secretion in response to hyperglycemia. Associated with MODY1. Patients initially respond well to sulfonylureas but eventually become insulin dependent. However, more evidence is required to ascertain the role of this particular variant rs551080524 in MODY, yet.

Literature cited by the submitters: DOI 10.1159/000334532 (cited by Clinical Genomics, Uppaluri K&H Personalized Medicine Clinic); PubMed 18268044 (cited by Clinical Genomics, Uppaluri K&H Personalized Medicine Clinic); PubMed 17563455 (cited by Clinical Genomics, Uppaluri K&H Personalized Medicine Clinic); PubMed 32583173 (cited by Clinical Genomics, Uppaluri K&H Personalized Medicine Clinic); PubMed 35052457 (cited by Clinical Genomics, Uppaluri K&H Personalized Medicine Clinic); PubMed 35118593 (cited by Clinical Genomics, Uppaluri K&H Personalized Medicine Clinic).